The following is an entry in ClinVar:

ClinVar aggregate classification (germline): Likely pathogenic (1 of 4 stars; one submission).

Conditions:
Neurodevelopmental disorder with regression, abnormal movements, loss of speech, and seizures. Identifiers: Orphanet 597623, MedGen C4748127, MONDO:0060759, OMIM 618088.

Submission:

Greenwood Genetic Center Diagnostic Laboratories, Greenwood Genetic Center
Classification: Likely pathogenic for Neurodevelopmental disorder with regression, abnormal movements, loss of speech, and seizures. Last evaluated: 2022-02-01. Review status: criteria provided, single submitter. Criteria: ACMG Guidelines, 2015. Collection method: clinical testing. Allele origin: germline. Affected: yes.
Comment: PS2, PM2

NM_024496.4(IRF2BPL):c.1922A>C (p.Lys641Thr)

Gene: IRF2BPL (interferon regulatory factor 2 binding protein like; minus strand). Cytogenetic location: 14q24.3.
Variant type: single nucleotide variant.
Coding change: c.1922A>C on transcript NM_024496.4 (MANE Select); coding-DNA position 1922, A replaced by C.
Protein change: p.Lys641Thr; replaces lysine 641 with threonine.
Molecular consequence: missense variant.
Genome position (GRCh38, 1-based): chr14:77,025,871, T>G on the plus strand (A>C on the coding strand, the complement: IRF2BPL is on the minus strand). VCF-style: chr14-77025871-T-G. GRCh37 (hg19) VCF-style: chr14-77492214-T-G.
Other names: short protein forms K641T.
Identifiers: ClinVar variation 1676565 (VCV001676565.3), dbSNP rs2140377197, ClinGen allele CA390489150.